The following is an entry in ClinVar:

ClinVar aggregate classification (germline): Uncertain significance. Review status: criteria provided, single submitter (1 of 4 stars). 2 submissions from 2 submitters: Uncertain significance (1). 1 of the submissions does not count toward it. Last evaluated 2023-05-26.

Conditions:
Gastrointestinal stromal tumor. Also called: Gastrointestinal stromal tumor, somatic; Gastrointestinal stroma tumor. Identifiers: Orphanet 44890, MedGen C0238198, MeSH D046152, MONDO:0011719, OMIM 606764, HP:0100723.

Submissions (2):

Labcorp Genetics (formerly Invitae), Labcorp
Classification: Uncertain significance for Gastrointestinal stromal tumor. Last evaluated: 2023-05-26. Review status: criteria provided, single submitter. Criteria: Invitae Variant Classification Sherloc (09022015). Collection method: clinical testing. Allele origin: germline.
Comment: In summary, the available evidence is currently insufficient to determine the role of this variant in disease. Therefore, it has been classified as a Variant of Uncertain Significance. Experimental studies and prediction algorithms are not available or were not evaluated, and the functional significance of this variant is currently unknown. ClinVar contains an entry for this variant (Variation ID: 134623). This variant has not been reported in the literature in individuals affected with KIT-related conditions. Information on the frequency of this variant in the gnomAD database is not available, as this variant may be reported differently in the database. This variant, c.2358_2359delinsTT, is a complex sequence change that results in the deletion of 2 and insertion of 2 amino acid(s) in the KIT protein (p.Lys786_Asn787delinsAsnTyr).

ITMI
No classification provided. Condition: AllHighlyPenetrant. Last evaluated: 2013-09-19. Review status: no classification provided. Collection method: reference population. Allele origin: germline. Not counted in ClinVar's aggregate classification.
Comment: Please see associated publication for description of ethnicities

Literature cited by the submitters: PubMed 24728327 (cited by ITMI).

NM_000222.3(KIT):c.2358_2359delinsTT (p.Lys786_Asn787delinsAsnTyr)

Gene: KIT (KIT proto-oncogene, receptor tyrosine kinase; plus strand). Cytogenetic location: 4q12.
Variant type: Indel.
Coding change: c.2358_2359delinsTT on transcript NM_000222.3 (MANE Select); coding-DNA positions 2358 to 2359, GA replaced by TT.
Protein change: p.Lys786_Asn787delinsAsnTyr.
Molecular consequence: missense variant.
Genome position (GRCh38, 1-based): chr4:54,731,995-54,731,996, GA replaced by TT. VCF-style: chr4-54731995-GA-TT. GRCh37 (hg19) VCF-style: chr4-55598161-GA-TT.
Other names: c.2346_2347delinsTT, p.Lys782_Asn783delinsAsnTyr (NM_001093772.2, NM_001385292.1); c.2361_2362delinsTT, p.Lys787_Asn788delinsAsnTyr (NM_001385284.1); c.2355_2356delinsTT, p.Lys785_Asn786delinsAsnTyr (NM_001385285.1); c.2343_2344delinsTT, p.Lys781_Asn782delinsAsnTyr (NM_001385286.1); c.2349_2350delinsTT, p.Lys783_Asn784delinsAsnTyr (NM_001385288.1); c.2358_2359delinsTT, p.Lys786_Asn787delinsAsnTyr (NM_001385290.1).
Identifiers: ClinVar variation 134623 (VCV000134623.9), dbSNP rs587778432, ClinGen allele CA160356.